The following is an entry in ClinVar:

NM_014874.4(MFN2):c.667T>C (p.Phe223Leu)

Gene: MFN2 (mitofusin 2; plus strand). Cytogenetic location: 1p36.22.
Variant type: single nucleotide variant.
Coding change: c.667T>C on transcript NM_014874.4 (MANE Select); coding-DNA position 667, T replaced by C.
Protein change: p.Phe223Leu; replaces phenylalanine 223 with leucine.
Molecular consequence: missense variant.
Genome position (GRCh38, 1-based): chr1:11,998,837, T>C. VCF-style: chr1-11998837-T-C. GRCh37 (hg19) VCF-style: chr1-12058894-T-C.
Other names: c.667T>C, p.Phe223Leu (NM_001127660.2); short protein forms F223L.
Identifiers: ClinVar variation 836052 (VCV000836052.12), dbSNP rs1639045962, ClinGen allele CA338438267.
Genomic context (GRCh38, chr1:11,998,837, plus strand): 5'-ATTGATGTCACCACAGAGCTGGACAGCTGGATTGACAAGTTTTGTCTGGATGCTGATGTG[T>C]TTGTGCTGGTGGCCAACTCAGAGTCCACCCTGATGCAGACGGTAACTCCTCCTCTGCCTT-3'
Protein context (NP_055689.1, residues 213-233): IDKFCLDADV[Phe223Leu]VLVANSESTL

ClinVar aggregate classification (germline): Conflicting classifications of pathogenicity. Review status: criteria provided, conflicting classifications (1 of 4 stars). 2 submissions from 2 submitters: Likely pathogenic (1); Uncertain significance (1). Last evaluated 2022-11-29.

Conditions:
Charcot-Marie-Tooth disease type 2A2. Also called: CHARCOT-MARIE-TOOTH DISEASE, AXONAL, AUTOSOMAL DOMINANT, TYPE 2A2A; HEREDITARY MOTOR AND SENSORY NEUROPATHY IIA2; HMSN IIA2; CHARCOT-MARIE-TOOTH DISEASE, AXONAL, TYPE 2A2; CHARCOT-MARIE-TOOTH DISEASE, NEURONAL, TYPE 2A2; Charcot-Marie-Tooth Neuropathy Type 2A2. Identifiers: Orphanet 99947, MedGen C4721887, MONDO:0012231, OMIM 609260.
Charcot-Marie-Tooth disease type 2. Also called: Charcot-Marie-Tooth type 2. Identifiers: Orphanet 64746, MedGen C0270914, MONDO:0018993.

Submissions (2):

Labcorp Genetics (formerly Invitae), Labcorp
Classification: Likely pathogenic for Charcot-Marie-Tooth disease type 2. Last evaluated: 2022-11-29. Review status: criteria provided, single submitter. Criteria: Invitae Variant Classification Sherloc (09022015). Collection method: clinical testing. Allele origin: germline.
Comment: In summary, the currently available evidence indicates that the variant is pathogenic, but additional data are needed to prove that conclusively. Therefore, this variant has been classified as Likely Pathogenic. Advanced modeling of protein sequence and biophysical properties (such as structural, functional, and spatial information, amino acid conservation, physicochemical variation, residue mobility, and thermodynamic stability) performed at Invitae indicates that this missense variant is expected to disrupt MFN2 protein function. ClinVar contains an entry for this variant (Variation ID: 836052). This missense change has been observed in individuals with autosomal dominant Charcot-Marie-Tooth disease (PMID: 15549395, 23733358). This variant is not present in population databases (gnomAD no frequency). This sequence change replaces phenylalanine, which is neutral and non-polar, with leucine, which is neutral and non-polar, at codon 223 of the MFN2 protein (p.Phe223Leu).

Baylor Genetics
Classification: Uncertain significance for Charcot-Marie-Tooth disease type 2A2. Last evaluated: 2020-02-05. Review status: criteria provided, single submitter. Criteria: ACMG Guidelines, 2015. Collection method: clinical testing. Allele origin: unknown. Affected: yes.
Comment: This variant was determined to be of uncertain significance according to ACMG Guidelines, 2015 [PMID:25741868].

Literature cited by the submitters: PubMed 15549395 (cited by Labcorp Genetics (formerly Invitae), Labcorp); PubMed 23733358 (cited by Labcorp Genetics (formerly Invitae), Labcorp).